The following is an entry in ClinVar:

NM_000138.5(FBN1):c.6681A>T (p.Ser2227=)

Gene: FBN1 (fibrillin 1; minus strand). Cytogenetic location: 15q21.1.
Variant type: single nucleotide variant.
Coding change: c.6681A>T on transcript NM_000138.5 (MANE Select); coding-DNA position 6681, A replaced by T.
Protein change: p.Ser2227=; no amino-acid change (serine 2227 retained).
Molecular consequence: synonymous variant.
Genome position (GRCh38, 1-based): chr15:48,432,924, T>A on the plus strand (A>T on the coding strand, the complement: FBN1 is on the minus strand). VCF-style: chr15-48432924-T-A. GRCh37 (hg19) VCF-style: chr15-48725121-T-A.
Identifiers: ClinVar variation 507203 (VCV000507203.16), dbSNP rs363824, ClinGen allele CA490018555.

ClinVar aggregate classification (germline): Likely benign. Review status: criteria provided, multiple submitters, no conflicts (2 of 4 stars). 7 submissions from 7 submitters: Likely benign (7). Last evaluated 2025-12-01.

Conditions:
Familial thoracic aortic aneurysm and aortic dissection (TAAD). Also called: Thoracic aortic aneurysms and dissections. Identifiers: Orphanet 91387, MedGen C4707243, MONDO:0019625.
Marfan syndrome (MFS). Also called: Marfan syndrome type 1; Marfan syndrome, classic; Marfan's syndrome; FBN1-Related Marfan Syndrome; MARFAN SYNDROME, TYPE I. Identifiers: Orphanet 284963, Orphanet 558, MedGen C0024796, MONDO:0007947, OMIM 154700.

gnomAD v4.1: 7 of 1,613,766 alleles (0.00043%); highest among the groups gnomAD compares: Non-Finnish European, 0.00059%; no homozygotes.

Submissions (7):

Labcorp Genetics (formerly Invitae), Labcorp
Classification: Likely benign for Marfan syndrome; Familial thoracic aortic aneurysm and aortic dissection. Last evaluated: 2025-12-01. Review status: criteria provided, single submitter. Criteria: Invitae Variant Classification Sherloc (09022015). Collection method: clinical testing. Allele origin: germline.

Women's Health and Genetics/Laboratory Corporation of America, LabCorp
Classification: Likely benign. Last evaluated: 2024-12-06. Review status: criteria provided, single submitter. Criteria: LabCorp Variant Classification Summary - May 2015. Collection method: clinical testing. Allele origin: germline.

ARUP Laboratories, Molecular Genetics and Genomics, ARUP Laboratories
Classification: Likely benign. Last evaluated: 2023-12-14. Review status: criteria provided, single submitter. Criteria: ARUP Molecular Germline Variant Investigation Process 2024. Collection method: clinical testing. Allele origin: germline.

All of Us Research Program, National Institutes of Health
Classification: Likely benign for Marfan syndrome. Last evaluated: 2023-10-02. Review status: criteria provided, single submitter. Criteria: ACMG Guidelines, 2015. Collection method: clinical testing. Allele origin: germline. Inheritance: Autosomal dominant inheritance. Observed: 5 variant alleles, 5 heterozygotes.
Comment: This study involves interpretation of variants in research participants for the purpose of population health screening. Participant phenotype was not available at the time of variant classification. Additional details can be found in publication PMID: 35346344, PMCID: PMC8962531

Ambry Genetics
Classification: Likely benign for Familial thoracic aortic aneurysm and aortic dissection. Last evaluated: 2023-04-17. Review status: criteria provided, single submitter. Criteria: Ambry Variant Classification Scheme 2023. Collection method: clinical testing. Allele origin: germline.

Color Diagnostics, LLC DBA Color Health
Classification: Likely benign for Familial thoracic aortic aneurysm and aortic dissection. Last evaluated: 2018-11-21. Review status: criteria provided, single submitter. Criteria: ACMG Guidelines, 2015. Collection method: clinical testing. Allele origin: germline.

GeneDx
Classification: Likely benign. Last evaluated: 2017-02-08. Review status: criteria provided, single submitter. Criteria: GeneDx Variant Classification (06012015). Collection method: clinical testing. Allele origin: germline. Affected: yes.
Comment: This variant is considered likely benign or benign based on one or more of the following criteria: it is a conservative change, it occurs at a poorly conserved position in the protein, it is predicted to be benign by multiple in silico algorithms, and/or has population frequency not consistent with disease.